The following is an entry in ClinVar:

NM_194454.3(KRIT1):c.1664C>T (p.Ala555Val)

Gene: KRIT1 (KRIT1 ankyrin repeat containing; minus strand). Cytogenetic location: 7q21.2.
Variant type: single nucleotide variant.
Coding change: c.1664C>T on transcript NM_194454.3 (MANE Select); coding-DNA position 1664, C replaced by T.
Protein change: p.Ala555Val; replaces alanine 555 with valine.
Molecular consequence: missense variant.
Genome position (GRCh38, 1-based): chr7:92,214,677, G>A on the plus strand (C>T on the coding strand, the complement: KRIT1 is on the minus strand). VCF-style: chr7-92214677-G-A. GRCh37 (hg19) VCF-style: chr7-91843991-G-A.
Other names: c.1520C>T, p.Ala507Val (NM_001013406.2, NM_001350669.1, NM_001350670.1); c.950C>T, p.Ala317Val (NM_001350671.1); c.1664C>T, p.Ala555Val (NM_001350672.1, NM_001350673.1, NM_001350674.1 and 26 more transcripts); short protein forms A317V, A507V, A555V.
Identifiers: ClinVar variation 1299386 (VCV001299386.5), dbSNP rs2131326892, ClinGen allele CA368141838.

ClinVar aggregate classification (germline): Pathogenic. Review status: criteria provided, multiple submitters, no conflicts (2 of 4 stars). 3 submissions from 3 submitters: Pathogenic (2). 1 of the submissions does not count toward it. Last evaluated 2025-01-23.

Conditions:
Cerebral cavernous malformation (CCM). Also called: Cavernous Hemangioma of Brain; Cerebral cavernous malformations; CAVERNOUS ANGIOMA, FAMILIAL; CAVERNOUS ANGIOMATOUS MALFORMATIONS; CEREBRAL CAPILLARY MALFORMATIONS; Cerebral cavernous hemangioma (type). Identifiers: Orphanet 221061, MedGen C2919945, MONDO:0000820, OMIM 116860, HP:0033522.

Submissions (3):

GeneDx
Classification: Pathogenic. Last evaluated: 2025-01-23. Review status: criteria provided, single submitter. Criteria: GeneDx Variant Classification Process June 2021. Collection method: clinical testing. Allele origin: germline. Affected: yes.
Comment: Variant results in activation of a cryptic splice site with partial loss of exon 15 in this gene for which loss of function is a known mechanism of disease (PMID: 35883785, 33651268); Not observed at significant frequency in large population cohorts (gnomAD); This variant is associated with the following publications: (PMID: 33891857, 35883785, 33651268)

Labcorp Genetics (formerly Invitae), Labcorp
Classification: Pathogenic for Cerebral cavernous malformation. Last evaluated: 2023-01-08. Review status: criteria provided, single submitter. Criteria: Invitae Variant Classification Sherloc (09022015). Collection method: clinical testing. Allele origin: germline.
Comment: This sequence change replaces alanine, which is neutral and non-polar, with valine, which is neutral and non-polar, at codon 555 of the KRIT1 protein (p.Ala555Val). RNA analysis indicates that this missense change induces altered splicing and may result in an absent or disrupted protein product. This variant is not present in population databases (gnomAD no frequency). This missense change has been observed in individuals with cerebral cavernous malformations (PMID: 33651268, 33891857; Invitae). ClinVar contains an entry for this variant (Variation ID: 1299386). Advanced modeling of protein sequence and biophysical properties (such as structural, functional, and spatial information, amino acid conservation, physicochemical variation, residue mobility, and thermodynamic stability) performed at Invitae indicates that this missense variant is not expected to disrupt KRIT1 protein function. Studies have shown that this missense change results in activation of a cryptic splice site and introduces a premature termination codon (PMID: 33651268). The resulting mRNA is expected to undergo nonsense-mediated decay. For these reasons, this variant has been classified as Pathogenic.

Laboratory of Medical Genetics, University of Torino
Classification: Pathogenic for Cerebral cavernous malformation. Last evaluated: 2021-10-06. Review status: no assertion criteria provided. Collection method: research. Allele origin: unknown. Affected: yes. Not counted in ClinVar's aggregate classification.

Literature cited by the submitters: PubMed 33651268 (cited by Labcorp Genetics (formerly Invitae), Labcorp); PubMed 33891857 (cited by Labcorp Genetics (formerly Invitae), Labcorp).